The following is an entry in ClinVar:

ClinVar aggregate classification (germline): Uncertain significance (1 of 4 stars; one submission).

Conditions:
Multiple acyl-CoA dehydrogenase deficiency (MADD). Also called: ETHYLMALONIC-ADIPICACIDURIA; GA II; Glutaric Acidemia type 2; Glutaric aciduria, type 2; Glutaric acidemia type II; GA 2. Identifiers: Orphanet 26791, MedGen C0268596, MONDO:0009282, OMIM 231680.

Submission:

Labcorp Genetics (formerly Invitae), Labcorp
Classification: Uncertain significance for Multiple acyl-CoA dehydrogenase deficiency. Last evaluated: 2020-10-09. Review status: criteria provided, single submitter. Criteria: Invitae Variant Classification Sherloc (09022015). Collection method: clinical testing. Allele origin: germline.
Comment: This sequence change replaces isoleucine with lysine at codon 221 of the ETFDH protein (p.Ile221Lys). The isoleucine residue is highly conserved and there is a moderate physicochemical difference between isoleucine and lysine. This variant is not present in population databases (ExAC no frequency). In summary, the available evidence is currently insufficient to determine the role of this variant in disease. Therefore, it has been classified as a Variant of Uncertain Significance. Algorithms developed to predict the effect of missense changes on protein structure and function (SIFT, PolyPhen-2, Align-GVGD) all suggest that this variant is likely to be disruptive, but these predictions have not been confirmed by published functional studies and their clinical significance is uncertain. This variant has not been reported in the literature in individuals with ETFDH-related disease.

NM_004453.4(ETFDH):c.662T>A (p.Ile221Lys)

Gene: ETFDH (electron transfer flavoprotein dehydrogenase; plus strand). Cytogenetic location: 4q32.1.
Variant type: single nucleotide variant.
Coding change: c.662T>A on transcript NM_004453.4 (MANE Select); coding-DNA position 662, T replaced by A.
Protein change: p.Ile221Lys; replaces isoleucine 221 with lysine.
Molecular consequence: missense variant.
Genome position (GRCh38, 1-based): chr4:158,690,403, T>A. VCF-style: chr4-158690403-T-A. GRCh37 (hg19) VCF-style: chr4-159611555-T-A.
Other names: c.521T>A, p.Ile174Lys (NM_001281737.2); c.479T>A, p.Ile160Lys (NM_001281738.1); short protein forms I174K, I221K, I160K.
Identifiers: ClinVar variation 643362 (VCV000643362.9), dbSNP rs1580406086, ClinGen allele CA358560012.